The following is an entry in ClinVar:

NM_002769.5(PRSS1):c.40+40dup

Genes: TRB (T cell receptor beta locus; plus strand), PRSS1 (serine protease 1; plus strand). Cytogenetic location: 7q34.
Variant type: Duplication.
Coding change: c.40+40dup on transcript NM_002769.5 (MANE Select); 40 bases into the intron after coding-DNA position 40, one base duplicated (C; older notation c.40+40dupC).
Molecular consequence: intron variant.
Genome position (GRCh38, 1-based): chr7:142,749,564, C duplicated; the last of 7 consecutive C bases (chr7:142,749,558-142,749,564); duplicating any one gives the same sequence. VCF-style (leftmost placement, unchanged base first): chr7-142749557-A-AC. GRCh37 (hg19) VCF-style: chr7-142457408-A-AC.
Identifiers: ClinVar variation 1692719 (VCV001692719.1), dbSNP rs748794481, ClinGen allele CA4529611.

ClinVar aggregate classification (germline): Uncertain significance (1 of 4 stars; one submission).

Conditions:
Hereditary pancreatitis (PCTT). Also called: Hereditary chronic pancreatitis; PRSS1-Related Hereditary Pancreatitis. Identifiers: Orphanet 676, MedGen C0238339, MONDO:0008185, OMIM 167800.

Submission:

Sema4
Classification: Uncertain significance for Hereditary pancreatitis. Last evaluated: 2021-04-11. Review status: criteria provided, single submitter. Criteria: Sema4 Curation Guidelines. Collection method: curation. Allele origin: germline.
Comment: The PRSS1 c.40+40dup variant has not been reported in the literature to our knowledge. It was observed in 10/10350 chromosomes of the Ashkenazi Jewish subpopulation, with no homozygotes, in the large and broad cohorts of the Genome Aggregation Database. The variant has not been reported in ClinVar. The evidence is insufficient to meet ACMG/AMP criteria for classifying the variant as benign or pathogenic. Thus, the clinical significance of this variant is currently uncertain.